The following is an entry in ClinVar:

NM_000123.4(ERCC5):c.2295C>T (p.Thr765=)

Genes: BIVM-ERCC5 (BIVM-ERCC5 readthrough; plus strand), ERCC5 (ERCC excision repair 5, endonuclease; plus strand), LOC126861834 (BRD4-independent group 4 enhancer GRCh37_chr13:103518038-103519237; plus strand). Cytogenetic location: 13q33.1.
Variant type: single nucleotide variant.
Coding change: c.2295C>T on transcript NM_000123.4 (MANE Select); coding-DNA position 2295, C replaced by T.
Protein change: p.Thr765=; no amino-acid change (threonine 765 retained).
Molecular consequence: synonymous variant.
Genome position (GRCh38, 1-based): chr13:102,866,357, C>T. VCF-style: chr13-102866357-C-T. GRCh37 (hg19) VCF-style: chr13-103518707-C-T.
Other names: c.3657C>T, p.Thr1219= (NM_001204425.2).
Identifiers: ClinVar variation 310931 (VCV000310931.27), dbSNP rs201206202, ClinGen allele CA7041584.

ClinVar aggregate classification (germline): Conflicting classifications of pathogenicity. Review status: criteria provided, conflicting classifications (1 of 4 stars). 3 submissions from 3 submitters: Uncertain significance (1); Likely benign (2). Last evaluated 2024-03-01.

Conditions:
Xeroderma pigmentosum, group G (XPG). Also called: XERODERMA PIGMENTOSUM VII; XP, GROUP G; Xeroderma pigmentosum type 7; ERCC5-Related Xeroderma Pigmentosum. Identifiers: MedGen C0268141, MONDO:0010216, OMIM 278780.

Allele frequency attached by ClinVar (database versions not stated): gnomAD 0.00001 and 0.00002; gnomAD exomes 0.00004; ExAC 0.00005; TOPMed 0.00005; ESP Exome Variant Server 0.00008; 1000 Genomes Project 30x 0.00016; 1000 Genomes Project 0.00020.
gnomAD v4.1: 99 of 1,614,150 alleles (0.0061%); highest among the groups gnomAD compares: Middle Eastern, 0.033%; no homozygotes.

Submissions (3):

CeGaT Center for Human Genetics Tuebingen
Classification: Likely benign. Last evaluated: 2024-03-01. Review status: criteria provided, single submitter. Criteria: CeGaT Center For Human Genetics Tuebingen Variant Classification Criteria Version 2. Collection method: clinical testing. Allele origin: germline. Affected: yes. Observed: 1 variant allele.
Comment: ERCC5: BP4, BP7

Blueprint Genetics
Classification: Likely benign. Last evaluated: 2023-06-22. Review status: criteria provided, single submitter. Criteria: ACMG Guidelines, 2015. Collection method: clinical testing. Allele origin: germline.

Illumina Laboratory Services, Illumina
Classification: Uncertain significance for Xeroderma pigmentosum, group G. Last evaluated: 2018-01-13. Review status: criteria provided, single submitter. Criteria: ICSL Variant Classification Criteria 13 December 2019. Collection method: clinical testing. Allele origin: germline.